The following is an entry in ClinVar:

ClinVar aggregate classification (germline): Conflicting classifications of pathogenicity. Review status: criteria provided, conflicting classifications (1 of 4 stars). 4 submissions from 4 submitters: Uncertain significance (2); Likely benign (1). 1 of the submissions does not count toward it. Last evaluated 2025-11-22.

Conditions:
FLNA-related disorder.
Heterotopia, periventricular, X-linked dominant (PVNH1). Also called: PERIVENTRICULAR NODULAR HETEROTOPIA 1; X-linked periventricular heterotopia; PERIVENTRICULAR NODULAR HETEROTOPIA 4; HETEROTOPIA, PERIVENTRICULAR, 1. Identifiers: Orphanet 2149, Orphanet 82004, MedGen C1848213, MONDO:0010233, OMIM 300049.
Melnick-Needles syndrome (MNS). Also called: MELNICK-NEEDLES OSTEODYSPLASTY; OSTEODYSPLASTY OF MELNICK AND NEEDLES; Melnick-Needles Syndrome (FLNA-MNS). Identifiers: Orphanet 2484, MedGen C0025237, MONDO:0010650, OMIM 309350.
Frontometaphyseal dysplasia (FMD1). Identifiers: Orphanet 1826, MedGen C0265293, MONDO:0015942.
Oto-palato-digital syndrome, type II (OPD2). Also called: OPD II SYNDROME; FACIOPALATOOSSEOUS SYNDROME; Otopalatodigital Syndrome Type 2 (FLNA-OPD2); Otopalatodigital Syndrome, Type II. Identifiers: Orphanet 669, Orphanet 90652, MedGen C1844696, MONDO:0010571, OMIM 304120.
Oto-palato-digital syndrome, type I (OPD1). Also called: OPD I SYNDROME; OPD SYNDROME 1; Taybi syndrome; Otopalatodigital Syndrome Type 1 (FLNA-OPD1); Otopalatodigital Syndrome, Type I. Identifiers: Orphanet 669, Orphanet 90650, MedGen C0265251, MONDO:0010704, OMIM 311300.
Terminal osseous dysplasia-pigmentary defects syndrome. Also called: ODPF SYNDROME; OSSEOUS DYSPLASIA, DIGITAL, WITH FACIAL PIGMENTARY DEFECTS AND MULTIPLE FRENULA; Terminal Osseous Dysplasia (FLNA-TOD); ODPD; TERMINAL OSSEOUS DYSPLASIA AND PIGMENTARY DEFECTS. Identifiers: Orphanet 88630, MedGen C1846129, MONDO:0010279, OMIM 300244.
FG syndrome 2 (FGS2). Identifiers: MedGen C1845902, MONDO:0010297, OMIM 300321.
Frontometaphyseal dysplasia 1 (FMD1). Also called: Frontometaphyseal Dysplasia (FLNA-FMD). Identifiers: Orphanet 1826, MedGen C4281559, MONDO:0024550, OMIM 305620.
Intestinal pseudoobstruction, neuronal, chronic idiopathic, X-linked (CIIPX). Also called: FLNA-Related Periventricular Nodular Heterotopia (FLNA-Related PVNH; Huttenlocher Syndrome); INTESTINAL PSEUDOOBSTRUCTION, NEURONAL, CHRONIC IDIOPATHIC, WITH CENTRAL NERVOUS SYSTEM INVOLVEMENT; CONGENITAL IDIOPATHIC INTESTINAL PSEUDOOBSTRUCTION. Identifiers: Orphanet 2301, MedGen C2746068, MONDO:0010232, OMIM 300048.
Cardiac valvular dysplasia, X-linked (CVDPX). Also called: Isolated X-Linked Cardiac Valvular Dysplasia; MYXOMATOUS VALVULAR DYSTROPHY, X-LINKED; VALVULAR HEART DISEASE, CONGENITAL; FLNA-Related X-linked Cardiac Valvular Dysplasia; Congenital valvular dysplasia. Identifiers: Orphanet 1864, Orphanet 555877, Orphanet 75497, MedGen C0262436, MONDO:0010753, OMIM 314400.
Familial thoracic aortic aneurysm and aortic dissection (TAAD). Also called: Thoracic aortic aneurysms and dissections. Identifiers: Orphanet 91387, MedGen C4707243, MONDO:0019625.

Allele frequency attached by ClinVar (database versions not stated): gnomAD exomes 0.00001.
gnomAD v4.1: 6 of 1,211,465 alleles (0.0005%); highest among the groups gnomAD compares: Middle Eastern, 0.092%; no homozygotes.

Submissions (4):

Labcorp Genetics (formerly Invitae), Labcorp
Classification: Likely benign for Oto-palato-digital syndrome, type II; Heterotopia, periventricular, X-linked dominant; Frontometaphyseal dysplasia; Melnick-Needles syndrome. Last evaluated: 2025-11-22. Review status: criteria provided, single submitter. Criteria: Invitae Variant Classification Sherloc (09022015). Collection method: clinical testing. Allele origin: germline.

Ambry Genetics
Classification: Uncertain significance for Familial thoracic aortic aneurysm and aortic dissection. Last evaluated: 2024-07-12. Review status: criteria provided, single submitter. Criteria: Ambry Variant Classification Scheme 2023. Collection method: clinical testing. Allele origin: germline.
Comment: The p.V864F variant (also known as c.2590G>T), located in coding exon 17 of the FLNA gene, results from a G to T substitution at nucleotide position 2590. The valine at codon 864 is replaced by phenylalanine, an amino acid with highly similar properties. Based on data from gnomAD, the T allele has an overall frequency of 0.0006% (1/181113) total alleles studied, with 1 hemizygote(s) observed. The highest observed frequency was 0.0225% (1/4452) of Other alleles. This amino acid position is not well conserved in available vertebrate species. In addition, the in silico prediction for this alteration is inconclusive. Based on the available evidence, the clinical significance of this variant remains unclear.

Fulgent Genetics
Classification: Uncertain significance for Intestinal pseudoobstruction, neuronal, chronic idiopathic, X-linked; Heterotopia, periventricular, X-linked dominant; Terminal osseous dysplasia-pigmentary defects syndrome; FG syndrome 2; Oto-palato-digital syndrome, type II; Frontometaphyseal dysplasia 1; Melnick-Needles syndrome; Oto-palato-digital syndrome, type I; Cardiac valvular dysplasia, X-linked. Last evaluated: 2021-10-18. Review status: criteria provided, single submitter. Criteria: ACMG Guidelines, 2015. Collection method: clinical testing. Allele origin: unknown.

PreventionGenetics, part of Exact Sciences
Classification: Uncertain significance for FLNA-related condition. Last evaluated: 2024-04-17. Review status: no assertion criteria provided. Collection method: clinical testing. Allele origin: germline. Not counted in ClinVar's aggregate classification.
Comment: The FLNA c.2590G>T variant is predicted to result in the amino acid substitution p.Val864Phe. This variant was reported in an individual with autism spectrum disorder who was also positive for a second potentially relevant variant (Table 4, Gerges et al. 2022. PubMed ID: 35205231). This variant is not reported within an established sub-population in gnomAD, indicating it is rare. At this time, the clinical significance of this variant is uncertain due to the absence of conclusive functional and genetic evidence.

NM_001110556.2(FLNA):c.2590G>T (p.Val864Phe)

Gene: FLNA (filamin A; minus strand). Cytogenetic location: Xq28.
Variant type: single nucleotide variant.
Coding change: c.2590G>T on transcript NM_001110556.2 (MANE Select); coding-DNA position 2590, G replaced by T.
Protein change: p.Val864Phe; replaces valine 864 with phenylalanine.
Molecular consequence: missense variant.
Genome position (GRCh38, 1-based): chrX:154,362,308, C>A on the plus strand (G>T on the coding strand, the complement: FLNA is on the minus strand). VCF-style: chrX-154362308-C-A. GRCh37 (hg19) VCF-style: chrX-153590676-C-A.
Other names: c.2590G>T, p.Val864Phe (NM_001456.4); c.2590G>T (NM_001110556.1); short protein forms V864F.
Identifiers: ClinVar variation 1063162 (VCV001063162.12), dbSNP rs1557178198, ClinGen allele CA415233586.